The following is an entry in ClinVar:

NM_017952.6(PTCD3):c.282_286del (p.Leu95fs)

Gene: PTCD3 (pentatricopeptide repeat domain 3; plus strand). Cytogenetic location: 2p11.2.
Variant type: Microsatellite.
Coding change: c.282_286del on transcript NM_017952.6 (MANE Select); coding-DNA positions 282 to 286, 5 bases deleted (CCTTA; older notation c.282_286delCCTTA).
Protein change: p.Leu95fs; shifts the reading frame from leucine 95.
Molecular consequence: frameshift variant.
Genome position (GRCh38, 1-based): chr2:86,116,571-86,116,575, CCTTA deleted; deleting any 5 consecutive bases within chr2:86,116,566-86,116,575 gives the same sequence; the c. name uses the placement nearest the transcript's 3' end. VCF-style (leftmost placement, unchanged base first): chr2-86116565-TCCTTA-T. GRCh37 (hg19) VCF-style: chr2-86343688-TCCTTA-T.
Other names: short protein forms L95fs.
Identifiers: ClinVar variation 4851685 (VCV004851685.1).

ClinVar aggregate classification (germline): Likely pathogenic (1 of 4 stars; one submission).

Conditions:
Combined oxidative phosphorylation deficiency 51. Identifiers: MedGen C5436703, MONDO:0033631, OMIM 619057.

Submission:

Greenwood Genetic Center Diagnostic Laboratories, Greenwood Genetic Center
Classification: Likely pathogenic for Combined oxidative phosphorylation deficiency 51. Last evaluated: 2025-02-24. Review status: criteria provided, single submitter. Criteria: ACMG Guidelines, 2015. Collection method: clinical testing. Allele origin: germline. Affected: yes.
Comment: PVS1, PM2